The following is an entry in ClinVar:

ClinVar aggregate classification (germline): Uncertain significance (1 of 4 stars; one submission).

Conditions:
Cardiovascular phenotype. Identifiers: MedGen CN230736.

Submission:

Ambry Genetics
Classification: Uncertain significance for Cardiovascular phenotype. Last evaluated: 2025-03-25. Review status: criteria provided, single submitter. Criteria: Ambry Variant Classification Scheme 2023. Collection method: clinical testing. Allele origin: germline.
Comment: The p.E581D variant (also known as c.1743G>T), located in coding exon 10 of the SOS2 gene, results from a G to T substitution at nucleotide position 1743. The glutamic acid at codon 581 is replaced by aspartic acid, an amino acid with highly similar properties. This amino acid position is conserved. In addition, this alteration is predicted to be tolerated by in silico analysis. Based on the available evidence, the clinical significance of this variant remains unclear.

NM_006939.4(SOS2):c.1743G>T (p.Glu581Asp)

Gene: SOS2 (SOS Ras/Rho guanine nucleotide exchange factor 2; minus strand). Cytogenetic location: 14q21.3.
Variant type: single nucleotide variant.
Coding change: c.1743G>T on transcript NM_006939.4 (MANE Select); coding-DNA position 1743, G replaced by T.
Protein change: p.Glu581Asp; replaces glutamic acid 581 with aspartic acid.
Molecular consequence: missense variant.
Genome position (GRCh38, 1-based): chr14:50,159,540, C>A on the plus strand (G>T on the coding strand, the complement: SOS2 is on the minus strand). VCF-style: chr14-50159540-C-A. GRCh37 (hg19) VCF-style: chr14-50626258-C-A.
Other names: c.1644G>T, p.Glu548Asp (NM_001411020.1); short protein forms E548D, E581D.
Identifiers: ClinVar variation 3959854 (VCV003959854.1).